The following is an entry in ClinVar:

ClinVar aggregate classification (germline): Likely benign. Review status: criteria provided, single submitter (1 of 4 stars). 2 submissions from 2 submitters: Likely benign (1). 1 of the submissions does not count toward it. Last evaluated 2024-02-03.

Conditions:
Renal carnitine transport defect (CDSP). Also called: CARNITINE DEFICIENCY, SYSTEMIC, DUE TO DEFECT IN RENAL REABSORPTION OF CARNITINE; CARNITINE TRANSPORTER, PLASMA-MEMBRANE, DEFICIENCY OF; CARNITINE UPTAKE DEFECT; Systemic primary carnitine deficiency disease; Systemic primary carnitine deficiency; Carnitine transporter deficiency. Identifiers: Orphanet 158, MedGen C0342788, MONDO:0008919, OMIM 212140.

Allele frequency attached by ClinVar (database versions not stated): gnomAD exomes below 0.00001; TOPMed below 0.00001.
gnomAD v4.1: 2 of 1,575,396 alleles (0.00013%); highest among the groups gnomAD compares: Non-Finnish European, 0.00017%; no homozygotes.

Submissions (2):

Labcorp Genetics (formerly Invitae), Labcorp
Classification: Likely benign for Renal carnitine transport defect. Last evaluated: 2024-02-03. Review status: criteria provided, single submitter. Criteria: Invitae Variant Classification Sherloc (09022015). Collection method: clinical testing. Allele origin: germline.

Neonatal Disease Screening Center, Medical Genetics Center, Huaihua City Maternal and Child Health Care Hospital
Classification: Uncertain significance for Renal carnitine transport defect. Review status: no assertion criteria provided. Criteria: ACMG Guidelines, 2015. Collection method: clinical testing. Allele origin: germline. Affected: yes. Observed: 1 variant allele. Not counted in ClinVar's aggregate classification.
Comment: PM2_P

NM_003060.4(SLC22A5):c.252C>T (p.Tyr84=)

Gene: SLC22A5 (solute carrier family 22 member 5; plus strand). Cytogenetic location: 5q31.1.
Variant type: single nucleotide variant.
Coding change: c.252C>T on transcript NM_003060.4 (MANE Select); coding-DNA position 252, C replaced by T.
Protein change: p.Tyr84=; no amino-acid change (tyrosine 84 retained).
Molecular consequence: synonymous variant.
Genome position (GRCh38, 1-based): chr5:132,370,224, C>T. VCF-style: chr5-132370224-C-T. GRCh37 (hg19) VCF-style: chr5-131705916-C-T.
Other names: c.252C>T, p.Tyr84= (NM_001308122.2).
Identifiers: ClinVar variation 1656099 (VCV001656099.10), dbSNP rs1253026669, ClinGen allele CA446494780.